The following is an entry in ClinVar:

ClinVar aggregate classification (germline): Uncertain significance (1 of 4 stars; one submission).

Conditions:
POLD1-related polyposis and colorectal cancer syndrome (CRCS10). Also called: Colorectal cancer 10; COLORECTAL CANCER, SUSCEPTIBILITY TO, ON CHROMOSOME 19q; Colorectal cancer, susceptibility to, 10. Identifiers: Orphanet 220460, MedGen C2675481, MONDO:0012953, OMIM 612591.

Submission:

Labcorp Genetics (formerly Invitae), Labcorp
Classification: Uncertain significance for POLD1-related polyposis and colorectal cancer syndrome. Last evaluated: 2019-11-10. Review status: criteria provided, single submitter. Criteria: Invitae Variant Classification Sherloc (09022015). Collection method: clinical testing. Allele origin: germline.
Comment: This variant is not present in population databases (ExAC no frequency). This sequence change creates a premature translational stop signal (p.Phe723Serfs*5) in the POLD1 gene. It is expected to result in an absent or disrupted protein product. Missense variants that disrupt the 3'-5' exonuclease (proof-reading) activity of the POLD1 protein, while not abolishing its polymerase enzyme activity, are associated with an increased risk for colonic adenomatous polyps and colon cancer (PMID: 23263490, 23447401). Loss-of-function truncating variants, which result in an absent or severely disrupted POLD1 protein, are therefore unlikely to be associated with disease. Without further clinical and genetic evidence, however, this variant has been classified as a Variant of Uncertain Significance. This variant has not been reported in the literature in individuals with POLD1-related disease.

Literature cited by the submitters: PubMed 23263490; PubMed 23447401.

NM_002691.4(POLD1):c.2166del (p.Phe723fs)

Gene: POLD1 (DNA polymerase delta 1, catalytic subunit; plus strand). Cytogenetic location: 19q13.33.
Variant type: Deletion.
Coding change: c.2166del on transcript NM_002691.4 (MANE Select); coding-DNA position 2166, one base deleted (G; older notation c.2166delG).
Protein change: p.Phe723fs; shifts the reading frame from phenylalanine 723.
Molecular consequence: frameshift variant. On other transcripts: non-coding transcript variant (1).
Genome position (GRCh38, 1-based): chr19:50,413,437, G deleted; the last of 4 consecutive G bases (chr19:50,413,434-50,413,437); deleting any one gives the same sequence. VCF-style (leftmost placement, unchanged base first): chr19-50413433-CG-C. GRCh37 (hg19) VCF-style: chr19-50916690-CG-C.
Other names: c.2166del (NM_002691.3); c.2166del, p.Phe723fs (NM_001256849.1); c.2244del, p.Phe749fs (NM_001308632.1); short protein forms F723fs, F749fs.
Identifiers: ClinVar variation 570860 (VCV000570860.10), dbSNP rs1568634881, ClinGen allele CA891844273.